The following is an entry in ClinVar:

ClinVar aggregate classification (germline): Benign (0 of 4 stars; one submission).

Conditions:
CLMN-related disorder. Also called: CLMN-related condition.

Allele frequency attached by ClinVar (database versions not stated): ESP Exome Variant Server 0.00015; gnomAD 0.00051; ExAC 0.00144; 1000 Genomes Project 0.00260; 1000 Genomes Project 30x 0.00265.
gnomAD v4.1: 634 of 1,614,056 alleles (0.039%); highest among the groups gnomAD compares: East Asian, 1.2%; 5 homozygotes.

Submission:

PreventionGenetics, part of Exact Sciences
Classification: Benign for CLMN-related condition. Last evaluated: 2019-08-09. Review status: no assertion criteria provided. Collection method: clinical testing. Allele origin: germline.
Comment: This variant is classified as benign based on ACMG/AMP sequence variant interpretation guidelines (Richards et al. 2015 PMID: 25741868, with internal and published modifications).

NM_024734.4(CLMN):c.1550G>A (p.Arg517His)

Gene: CLMN (calmin; minus strand). Cytogenetic location: 14q32.13.
Variant type: single nucleotide variant.
Coding change: c.1550G>A on transcript NM_024734.4 (MANE Select); coding-DNA position 1550, G replaced by A.
Protein change: p.Arg517His; replaces arginine 517 with histidine.
Molecular consequence: missense variant.
Genome position (GRCh38, 1-based): chr14:95,203,799, C>T on the plus strand (G>A on the coding strand, the complement: CLMN is on the minus strand). VCF-style: chr14-95203799-C-T. GRCh37 (hg19) VCF-style: chr14-95670136-C-T.
Other names: short protein forms R517H.
Identifiers: ClinVar variation 3035219 (VCV003035219.2), dbSNP rs78561092, ClinGen allele CA7332140.